The following is an entry in ClinVar:

NM_000474.4(TWIST1):c.362C>T (p.Thr121Ile)

Gene: TWIST1 (twist family bHLH transcription factor 1; minus strand). Cytogenetic location: 7p21.1.
Variant type: single nucleotide variant.
Coding change: c.362C>T on transcript NM_000474.4 (MANE Select); coding-DNA position 362, C replaced by T.
Protein change: p.Thr121Ile; replaces threonine 121 with isoleucine.
Molecular consequence: missense variant. On other transcripts: non-coding transcript variant (1).
Genome position (GRCh38, 1-based): chr7:19,116,960, G>A on the plus strand (C>T on the coding strand, the complement: TWIST1 is on the minus strand). VCF-style: chr7-19116960-G-A. GRCh37 (hg19) VCF-style: chr7-19156583-G-A.
Other names: short protein forms T121I.
Identifiers: ClinVar variation 800915 (VCV000800915.5), dbSNP rs1585617108, ClinGen allele CA367015598.

ClinVar aggregate classification (germline): Pathogenic. Review status: criteria provided, single submitter (1 of 4 stars). 2 submissions from 2 submitters: Pathogenic (1). 1 of the submissions does not count toward it. Last evaluated 2025-06-02.

Conditions:
TWIST1-related craniosynostosis (CRS1). Also called: CRANIOSYNOSTOSIS 1. Identifiers: Orphanet 63440, MedGen C4551902, MONDO:0007399, OMIM 123100. Inheritance: Heterogenous inheritance pattern.
Saethre-Chotzen syndrome (SCS). Also called: ACROCEPHALY, SKULL ASYMMETRY, AND MILD SYNDACTYLY; ACS III; CHOTZEN SYNDROME. Identifiers: Orphanet 794, MedGen C0175699, MONDO:0007042, OMIM 101400.
TWIST1-related disorder.

Submissions (2):

Labcorp Genetics (formerly Invitae), Labcorp
Classification: Pathogenic for TWIST1-related craniosynostosis; Saethre-Chotzen syndrome. Last evaluated: 2025-06-02. Review status: criteria provided, single submitter. Criteria: Invitae Variant Classification Sherloc (09022015). Collection method: clinical testing. Allele origin: germline.
Comment: This sequence change replaces threonine, which is neutral and polar, with isoleucine, which is neutral and non-polar, at codon 121 of the TWIST1 protein (p.Thr121Ile). This variant is not present in population databases (gnomAD no frequency). This missense change has been observed in individuals with clinical features of TWIST1-related conditions (PMID: 16838304, 24127277). ClinVar contains an entry for this variant (Variation ID: 800915). An algorithm developed to predict the effect of missense changes on protein structure and function (PolyPhen-2) suggests that this variant is likely to be disruptive. This variant disrupts the p.Thr121 amino acid residue in TWIST1. Other variant(s) that disrupt this residue have been observed in individuals with TWIST1-related conditions (internal data), which suggests that this may be a clinically significant amino acid residue. For these reasons, this variant has been classified as Pathogenic.

Biochemical Molecular Genetic Laboratory, King Abdulaziz Medical City
Classification: Pathogenic for TWIST1-related disorder. Last evaluated: 2019-09-26. Review status: no assertion criteria provided. Collection method: clinical testing. Allele origin: germline. Affected: yes. Not counted in ClinVar's aggregate classification.

Literature cited by the submitters: PubMed 16838304 (cited by Labcorp Genetics (formerly Invitae), Labcorp); PubMed 24127277 (cited by Labcorp Genetics (formerly Invitae), Labcorp).